The following is an entry in ClinVar:

ClinVar aggregate classification (germline): Pathogenic (1 of 4 stars; one submission).

Conditions:
Joubert syndrome. Also called: JOUBERT-BOLTSHAUSER SYNDROME; Familial aplasia of the vermis. Identifiers: Orphanet 475, MedGen C5979921, MONDO:0018772.
Meckel-Gruber syndrome. Also called: DYSENCEPHALIA SPLANCHNOCYSTICA; GRUBER SYNDROME; Dysencephalia splachnocystica. Identifiers: Orphanet 564, MedGen C0265215, MONDO:0018921.

Submission:

Labcorp Genetics (formerly Invitae), Labcorp
Classification: Pathogenic for Joubert syndrome; Meckel-Gruber syndrome. Last evaluated: 2023-04-21. Review status: criteria provided, single submitter. Criteria: Invitae Variant Classification Sherloc (09022015). Collection method: clinical testing. Allele origin: germline.
Comment: For these reasons, this variant has been classified as Pathogenic. This variant has not been reported in the literature in individuals affected with CC2D2A-related conditions. This variant is not present in population databases (gnomAD no frequency). This sequence change creates a premature translational stop signal (p.Gly702Glufs*16) in the CC2D2A gene. It is expected to result in an absent or disrupted protein product. Loss-of-function variants in CC2D2A are known to be pathogenic (PMID: 19777577).

Literature cited by the submitters: PubMed 19777577.

NM_001378615.1(CC2D2A):c.2105del (p.Gly702fs)

Genes: CC2D2A (coiled-coil and C2 domain containing 2A; plus strand), FBXL5 (F-box and leucine rich repeat protein 5; minus strand). Cytogenetic location: 4p15.32.
Variant type: Deletion.
Coding change: c.2105del on transcript NM_001378615.1 (MANE Select); coding-DNA position 2105, one base deleted (G; older notation c.2105delG).
Protein change: p.Gly702fs; shifts the reading frame from glycine 702.
Molecular consequence: frameshift variant.
Genome position (GRCh38, 1-based): chr4:15,540,938, G deleted; the last of 2 consecutive G bases (chr4:15,540,937-15,540,938); deleting either gives the same sequence. VCF-style (leftmost placement, unchanged base first): chr4-15540936-AG-A. GRCh37 (hg19) VCF-style: chr4-15542559-AG-A.
Other names: c.2105del, p.Gly702fs (NM_001080522.2); c.1958del, p.Gly653fs (NM_001378617.1); short protein forms G653fs, G702fs.
Identifiers: ClinVar variation 2937960 (VCV002937960.3), dbSNP rs2474988370, ClinGen allele CA2740091236.